The following is an entry in ClinVar:

ClinVar aggregate classification (germline): Uncertain significance (1 of 4 stars; one submission).

Conditions:
Dilated cardiomyopathy 1HH (CMD1HH). Identifiers: Orphanet 154, MedGen C3151293, MONDO:0013479, OMIM 613881.
Myofibrillar myopathy 6. Identifiers: Orphanet 199340, MedGen C2751831, MONDO:0013061, OMIM 612954.

Submission:

Labcorp Genetics (formerly Invitae), Labcorp
Classification: Uncertain significance for Dilated cardiomyopathy 1HH; Myofibrillar myopathy 6. Last evaluated: 2022-11-17. Review status: criteria provided, single submitter. Criteria: Invitae Variant Classification Sherloc (09022015). Collection method: clinical testing. Allele origin: germline.
Comment: This sequence change replaces serine, which is neutral and polar, with threonine, which is neutral and polar, at codon 352 of the BAG3 protein (p.Ser352Thr). This variant is not present in population databases (gnomAD no frequency). This variant has not been reported in the literature in individuals affected with BAG3-related conditions. Advanced modeling of protein sequence and biophysical properties (such as structural, functional, and spatial information, amino acid conservation, physicochemical variation, residue mobility, and thermodynamic stability) performed at Invitae indicates that this missense variant is not expected to disrupt BAG3 protein function. In summary, the available evidence is currently insufficient to determine the role of this variant in disease. Therefore, it has been classified as a Variant of Uncertain Significance.

NM_004281.4(BAG3):c.1054T>A (p.Ser352Thr)

Gene: BAG3 (BAG cochaperone 3; plus strand). Cytogenetic location: 10q26.11.
Variant type: single nucleotide variant.
Coding change: c.1054T>A on transcript NM_004281.4 (MANE Select); coding-DNA position 1054, T replaced by A.
Protein change: p.Ser352Thr; replaces serine 352 with threonine.
Molecular consequence: missense variant.
Genome position (GRCh38, 1-based): chr10:119,676,608, T>A. VCF-style: chr10-119676608-T-A. GRCh37 (hg19) VCF-style: chr10-121436120-T-A.
Other names: short protein forms S352T.
Identifiers: ClinVar variation 2941615 (VCV002941615.3), dbSNP rs1430277589, ClinGen allele CA378296545.